The following is an entry in ClinVar:

ClinVar aggregate classification (germline): Conflicting classifications of pathogenicity. Review status: criteria provided, conflicting classifications (1 of 4 stars). 3 submissions from 3 submitters: Uncertain significance (2); Likely benign (1). Last evaluated 2026-02-18.

Conditions:
Hereditary cancer-predisposing syndrome. Also called: Hereditary Cancer Syndrome; Neoplastic Syndromes, Hereditary; Tumor predisposition; Hereditary neoplastic syndrome. Identifiers: Orphanet 140162, MedGen C0027672, MeSH D009386, MONDO:0015356.
Hereditary breast ovarian cancer syndrome. Also called: Breast and ovarian cancer; Hereditary breast and ovarian cancer; Hereditary breast and ovarian cancer syndrome (HBOC); BRCA1- and BRCA2-Associated Hereditary Breast and Ovarian Cancer; Hereditary breast and ovarian cancer syndrome; Hereditary breast and/or ovarian cancer syndrome. Identifiers: Orphanet 145, MedGen C0677776, MeSH D061325, MONDO:0003582. Disease mechanism: loss of function.

Submissions (3):

Ambry Genetics
Classification: Uncertain significance for Hereditary cancer-predisposing syndrome. Last evaluated: 2026-02-18. Review status: criteria provided, single submitter. Criteria: Ambry Variant Classification Scheme 2023. Collection method: clinical testing. Allele origin: germline.
Comment: The p.T1867K variant (also known as c.5600C>A), located in coding exon 10 of the BRCA2 gene, results from a C to A substitution at nucleotide position 5600. The threonine at codon 1867 is replaced by lysine, an amino acid with similar properties. This amino acid position is conserved. In addition, the in silico prediction for this alteration is inconclusive. Based on the available evidence, the clinical significance of this variant remains unclear.

University of Washington Department of Laboratory Medicine, University of Washington
Classification: Likely benign for Hereditary cancer-predisposing syndrome. Last evaluated: 2023-03-23. Review status: criteria provided, single submitter. Criteria: Dines et al. (Genet Med. 2020). Collection method: curation. Allele origin: germline.
Comment: Missense variant in a coldspot region where missense variants are very unlikely to be pathogenic (PMID:31911673).

BRCA2 exon 11 coldspot. Reclassification based on statistical prior probability.

Labcorp Genetics (formerly Invitae), Labcorp
Classification: Uncertain significance for Hereditary breast ovarian cancer syndrome. Last evaluated: 2020-10-27. Review status: criteria provided, single submitter. Criteria: Invitae Variant Classification Sherloc (09022015). Collection method: clinical testing. Allele origin: germline.
Comment: In summary, the available evidence is currently insufficient to determine the role of this variant in disease. Therefore, it has been classified as a Variant of Uncertain Significance. Advanced modeling of protein sequence and biophysical properties (such as structural, functional, and spatial information, amino acid conservation, physicochemical variation, residue mobility, and thermodynamic stability) performed at Invitae indicates that this missense variant is not expected to disrupt BRCA2 protein function. This variant has not been reported in the literature in individuals with BRCA2-related conditions. This variant is not present in population databases (ExAC no frequency). This sequence change replaces threonine with lysine at codon 1867 of the BRCA2 protein (p.Thr1867Lys). The threonine residue is weakly conserved and there is a moderate physicochemical difference between threonine and lysine.

NM_000059.4(BRCA2):c.5600C>A (p.Thr1867Lys)

Gene: BRCA2 (BRCA2 DNA repair associated; plus strand). Cytogenetic location: 13q13.1.
Variant type: single nucleotide variant.
Coding change: c.5600C>A on transcript NM_000059.4 (MANE Select); coding-DNA position 5600, C replaced by A.
Protein change: p.Thr1867Lys; replaces threonine 1867 with lysine.
Molecular consequence: missense variant.
Genome position (GRCh38, 1-based): chr13:32,339,955, C>A. VCF-style: chr13-32339955-C-A. GRCh37 (hg19) VCF-style: chr13-32914092-C-A.
Other names: c.5600C>A (NM_000059.3); short protein forms T1867K.
Identifiers: ClinVar variation 1034923 (VCV001034923.11), dbSNP rs2072533075, ClinGen allele CA387786060.